The following is an entry in ClinVar:

NM_002857.4(PEX19):c.526C>T (p.Gln176Ter)

Gene: PEX19 (peroxisomal biogenesis factor 19; minus strand). Cytogenetic location: 1q23.2.
Variant type: single nucleotide variant.
Coding change: c.526C>T on transcript NM_002857.4 (MANE Select); coding-DNA position 526, C replaced by T.
Protein change: p.Gln176Ter; replaces glutamine 176 with a stop codon.
Molecular consequence: nonsense. On other transcripts: non-coding transcript variant (2).
Genome position (GRCh38, 1-based): chr1:160,282,107, G>A on the plus strand (C>T on the coding strand, the complement: PEX19 is on the minus strand). VCF-style: chr1-160282107-G-A. GRCh37 (hg19) VCF-style: chr1-160251897-G-A.
Other names: c.526C>T, p.Gln176Ter (NM_001193644.1); short protein forms Q176*.
Identifiers: ClinVar variation 2088255 (VCV002088255.4), dbSNP rs1480182464, ClinGen allele CA343260179.
Genomic context (GRCh38, chr1:160,282,107, plus strand): 5'-TGATCTCCTTCAGTGATGGGTACAGCACATCCTTGGAGAGTAGGTTCTGCATAATACTCT[G>A]CATGATGGGGAGGATGTTCCCTTCCCCATCCCCTTCGTCCATGCCTAGCCCCTCCATGGC-3'

ClinVar aggregate classification (germline): Pathogenic (1 of 4 stars; one submission).

Conditions:
Peroxisome biogenesis disorder 12A (Zellweger). Also called: Peroxisome biogenesis disorder 12A. Identifiers: Orphanet 912, MedGen C3554002, MONDO:0013951, OMIM 614886.

Submission:

Labcorp Genetics (formerly Invitae), Labcorp
Classification: Pathogenic for Peroxisome biogenesis disorder 12A (Zellweger). Last evaluated: 2023-05-22. Review status: criteria provided, single submitter. Criteria: Invitae Variant Classification Sherloc (09022015). Collection method: clinical testing. Allele origin: germline.
Comment: For these reasons, this variant has been classified as Pathogenic. ClinVar contains an entry for this variant (Variation ID: 2088255). This variant has not been reported in the literature in individuals affected with PEX19-related conditions. This variant is not present in population databases (gnomAD no frequency). This sequence change creates a premature translational stop signal (p.Gln176*) in the PEX19 gene. It is expected to result in an absent or disrupted protein product. Loss-of-function variants in PEX19 are known to be pathogenic (PMID: 10051604, 20683989, 21031596).

Literature cited by the submitters: PubMed 10051604; PubMed 20683989; PubMed 21031596.